The following is an entry in ClinVar:

NM_000057.4(BLM):c.373A>G (p.Thr125Ala)

Gene: BLM (BLM RecQ like helicase; plus strand). Cytogenetic location: 15q26.1.
Variant type: single nucleotide variant.
Coding change: c.373A>G on transcript NM_000057.4 (MANE Select); coding-DNA position 373, A replaced by G.
Protein change: p.Thr125Ala; replaces threonine 125 with alanine.
Molecular consequence: missense variant. On other transcripts: 5 prime UTR variant (1).
Genome position (GRCh38, 1-based): chr15:90,749,641, A>G. VCF-style: chr15-90749641-A-G. GRCh37 (hg19) VCF-style: chr15-91292871-A-G.
Other names: c.373A>G, p.Thr125Ala (NM_001287246.2, NM_001287247.2); c.-919A>G (NM_001287248.2); short protein forms T125A.
Identifiers: ClinVar variation 858344 (VCV000858344.11), dbSNP rs1895612811, ClinGen allele CA393840412.

ClinVar aggregate classification (germline): Uncertain significance (1 of 4 stars; one submission).

Conditions:
Bloom syndrome (BLM). Also called: Bloom-Torre-Machacek syndrome. Identifiers: Orphanet 125, MedGen C0005859, MONDO:0008876, OMIM 210900.

Submission:

Labcorp Genetics (formerly Invitae), Labcorp
Classification: Uncertain significance for Bloom syndrome. Last evaluated: 2019-12-17. Review status: criteria provided, single submitter. Criteria: Invitae Variant Classification Sherloc (09022015). Collection method: clinical testing. Allele origin: germline.
Comment: In summary, the available evidence is currently insufficient to determine the role of this variant in disease. Therefore, it has been classified as a Variant of Uncertain Significance. Algorithms developed to predict the effect of missense changes on protein structure and function (SIFT, PolyPhen-2, Align-GVGD) all suggest that this variant is likely to be tolerated, but these predictions have not been confirmed by published functional studies and their clinical significance is uncertain. This variant has not been reported in the literature in individuals with BLM-related conditions. This variant is not present in population databases (ExAC no frequency). This sequence change replaces threonine with alanine at codon 125 of the BLM protein (p.Thr125Ala). The threonine residue is weakly conserved and there is a small physicochemical difference between threonine and alanine.